The following is an entry in ClinVar:

ClinVar aggregate classification (germline): Likely benign. Review status: criteria provided, multiple submitters, no conflicts (2 of 4 stars). 4 submissions from 4 submitters: Likely benign (4). Last evaluated 2026-04-08.

Conditions:
SZT2-related disorder. Also called: SZT2-related condition.

Allele frequency attached by ClinVar (database versions not stated): gnomAD exomes 0.00004 and 0.00009; ExAC 0.00006; TOPMed 0.00008; gnomAD 0.00011; ESP Exome Variant Server 0.00015.
gnomAD v4.1: 86 of 1,614,050 alleles (0.0053%); highest among the groups gnomAD compares: Admixed American, 0.015%; no homozygotes.

Submissions (4):

PreventionGenetics, part of Exact Sciences
Classification: Likely benign for SZT2-related condition. Last evaluated: 2026-04-08. Review status: criteria provided, single submitter. Criteria: ACMG Guidelines, 2015. Collection method: clinical testing. Allele origin: germline.
Comment: This variant is classified as likely benign based on ACMG/AMP sequence variant interpretation guidelines (Richards et al. 2015 PMID: 25741868, with internal and published modifications).

Labcorp Genetics (formerly Invitae), Labcorp
Classification: Likely benign. Last evaluated: 2025-12-16. Review status: criteria provided, single submitter. Criteria: Invitae Variant Classification Sherloc (09022015). Collection method: clinical testing. Allele origin: germline.

Blueprint Genetics
Classification: Likely benign. Last evaluated: 2022-10-26. Review status: criteria provided, single submitter. Criteria: ACMG Guidelines, 2015. Collection method: clinical testing. Allele origin: germline.

Breakthrough Genomics
Classification: Likely benign. Review status: criteria provided, single submitter. Criteria: ACMG Guidelines, 2015. Collection method: not provided. Allele origin: germline. Inheritance: Autosomal recessive inheritance. Affected: yes.

NM_001365999.1(SZT2):c.6267A>T (p.Ala2089=)

Gene: SZT2 (SZT2 subunit of KICSTOR complex; plus strand). Cytogenetic location: 1p34.2.
Variant type: single nucleotide variant.
Coding change: c.6267A>T on transcript NM_001365999.1 (MANE Select); coding-DNA position 6267, A replaced by T.
Protein change: p.Ala2089=; no amino-acid change (alanine 2089 retained).
Molecular consequence: synonymous variant.
Genome position (GRCh38, 1-based): chr1:43,437,485, A>T. VCF-style: chr1-43437485-A-T. GRCh37 (hg19) VCF-style: chr1-43903156-A-T.
Other names: c.6096A>T, p.Ala2032= (NM_015284.4).
Identifiers: ClinVar variation 696962 (VCV000696962.13), dbSNP rs372840078, ClinGen allele CA809825.